The following is an entry in ClinVar:

ClinVar aggregate classification (germline): Uncertain significance. Review status: criteria provided, multiple submitters, no conflicts (2 of 4 stars). 4 submissions from 4 submitters: Uncertain significance (4). Last evaluated 2025-12-06.

Conditions:
Melanoma, cutaneous malignant, susceptibility to, 3. Also called: Cutaneous malignant melanoma 3. Identifiers: Orphanet 618, MedGen C1836892, MONDO:0012183, OMIM 609048.
Hereditary cancer-predisposing syndrome. Also called: Neoplastic Syndromes, Hereditary; Tumor predisposition; Hereditary Cancer Syndrome; Hereditary neoplastic syndrome. Identifiers: Orphanet 140162, MedGen C0027672, MeSH D009386, MONDO:0015356.
Familial melanoma. Also called: Hereditary melanoma; Hereditary cutaneous melanoma. Identifiers: Orphanet 618, MedGen C1512419, MONDO:0018961.

Allele frequency attached by ClinVar (database versions not stated): gnomAD 0.00001; TOPMed 0.00001.
gnomAD v4.1: 6 of 1,613,676 alleles (0.00037%); highest among the groups gnomAD compares: Non-Finnish European, 0.00051%; no homozygotes.

Submissions (4):

Labcorp Genetics (formerly Invitae), Labcorp
Classification: Uncertain significance for Familial melanoma. Last evaluated: 2025-12-06. Review status: criteria provided, single submitter. Criteria: Invitae Variant Classification Sherloc (09022015). Collection method: clinical testing. Allele origin: germline.
Comment: This sequence change replaces histidine, which is basic and polar, with aspartic acid, which is acidic and polar, at codon 281 of the CDK4 protein (p.His281Asp). This variant is not present in population databases (gnomAD no frequency). This variant has not been reported in the literature in individuals affected with CDK4-related conditions. ClinVar contains an entry for this variant (Variation ID: 232051). Invitae Evidence Modeling of protein sequence and biophysical properties (such as structural, functional, and spatial information, amino acid conservation, physicochemical variation, residue mobility, and thermodynamic stability) indicates that this missense variant is not expected to disrupt CDK4 protein function with a negative predictive value of 95%. In summary, the available evidence is currently insufficient to determine the role of this variant in disease. Therefore, it has been classified as a Variant of Uncertain Significance.

St. Jude Molecular Pathology, St. Jude Children's Research Hospital
Classification: Uncertain significance for Melanoma, cutaneous malignant, susceptibility to, 3. Last evaluated: 2024-06-21. Review status: criteria provided, single submitter. Criteria: St. Jude Assertion Criteria 2020. Collection method: clinical testing. Allele origin: germline.
Comment: The CDK4 c.841C>G (p.His281Asp) missense change is absent in gnomAD v2.1.1. The in silico tool REVEL predicts a benign effect on protein function, but to our knowledge this prediction has not been confirmed by functional studies. To our knowledge, this variant has not been reported in individuals with familial melanoma. In summary, the evidence currently available is insufficient to determine the clinical significance of this variant. It has therefore been classified as of uncertain significance.

Ambry Genetics
Classification: Uncertain significance for Hereditary cancer-predisposing syndrome. Last evaluated: 2024-05-04. Review status: criteria provided, single submitter. Criteria: Ambry Variant Classification Scheme 2023. Collection method: clinical testing. Allele origin: germline.
Comment: The p.H281D variant (also known as c.841C>G), located in coding exon 7 of the CDK4 gene, results from a C to G substitution at nucleotide position 841. The histidine at codon 281 is replaced by aspartic acid, an amino acid with similar properties. This amino acid position is not well conserved in available vertebrate species. In addition, this alteration is predicted to be tolerated by in silico analysis. Since supporting evidence is limited at this time, the clinical significance of this alteration remains unclear.

Women's Health and Genetics/Laboratory Corporation of America, LabCorp
Classification: Uncertain significance. Last evaluated: 2023-01-19. Review status: criteria provided, single submitter. Criteria: LabCorp Variant Classification Summary - May 2015. Collection method: clinical testing. Allele origin: germline.

NM_000075.4(CDK4):c.841C>G (p.His281Asp)

Genes: CDK4 (cyclin dependent kinase 4; minus strand), TSPAN31 (tetraspanin 31; plus strand). Cytogenetic location: 12q14.1.
Variant type: single nucleotide variant.
Coding change: c.841C>G on transcript NM_000075.4 (MANE Select); coding-DNA position 841, C replaced by G.
Protein change: p.His281Asp; replaces histidine 281 with aspartic acid.
Molecular consequence: missense variant. On other transcripts: 3 prime UTR variant (3).
Genome position (GRCh38, 1-based): chr12:57,748,596, G>C on the plus strand (C>G on the coding strand, the complement: CDK4 is on the minus strand). VCF-style: chr12-57748596-G-C. GRCh37 (hg19) VCF-style: chr12-58142379-G-C.
Other names: c.*1306G>C (NM_001330168.2, NM_001330169.2, NM_005981.5); short protein forms H281D.
Identifiers: ClinVar variation 232051 (VCV000232051.18), dbSNP rs876659522, ClinGen allele CA10579431.